The following is an entry in ClinVar:

NM_001177693.2(ARHGEF28):c.771C>T (p.Ala257=)

Gene: ARHGEF28 (Rho guanine nucleotide exchange factor 28; plus strand). Cytogenetic location: 5q13.2.
Variant type: single nucleotide variant.
Coding change: c.771C>T on transcript NM_001177693.2 (MANE Select); coding-DNA position 771, C replaced by T.
Protein change: p.Ala257=; no amino-acid change (alanine 257 retained).
Molecular consequence: synonymous variant.
Genome position (GRCh38, 1-based): chr5:73,776,627, C>T. VCF-style: chr5-73776627-C-T. GRCh37 (hg19) VCF-style: chr5-73072452-C-T.
Other names: c.771C>T, p.Ala257= (NM_001080479.3, NM_001388078.1); c.477C>T, p.Ala159= (NM_001388076.1).
Identifiers: ClinVar variation 2655524 (VCV002655524.24), dbSNP rs372020476, ClinGen allele CA3304294.
Genomic context (GRCh38, chr5:73,776,627, plus strand): 5'-AGCCTCCTTGCATTACATTCACTCATCGGAAACGCTGACCCTGACCCTGAACCACACAGC[C>T]GAGCATTTGTTGGAGGCAGATATTAAACTCTTCCGGAAATACTTTTGGGATAGAGCCTTT-3'
Protein context (NP_001171164.1, residues 247-267): ETLTLTLNHT[Ala257=]EHLLEADIKL

ClinVar aggregate classification (germline): Likely benign (1 of 4 stars; one submission).

Allele frequency attached by ClinVar (database versions not stated): ExAC 0.00006; ESP Exome Variant Server 0.00016; gnomAD 0.00024; TOPMed 0.00029.
gnomAD v4.1: 100 of 1,613,722 alleles (0.0062%); highest among the groups gnomAD compares: African/African-American, 0.1%; no homozygotes.

Submission:

CeGaT Center for Human Genetics Tuebingen
Classification: Likely benign. Last evaluated: 2023-03-01. Review status: criteria provided, single submitter. Criteria: CeGaT Center For Human Genetics Tuebingen Variant Classification Criteria Version 2. Collection method: clinical testing. Allele origin: germline. Affected: yes. Observed: 1 variant allele.
Comment: ARHGEF28: BP4, BP7